The following is an entry in ClinVar:

ClinVar aggregate classification (germline): Pathogenic. Review status: criteria provided, multiple submitters, no conflicts (2 of 4 stars). 2 submissions from 2 submitters: Pathogenic (2).

Conditions:
Miyoshi muscular dystrophy 1 (MMD1). Identifiers: Orphanet 45448, MedGen C4551973, MONDO:0024545, OMIM 254130.
Autosomal recessive limb-girdle muscular dystrophy type 2B (LGMDR2). Also called: Limb-girdle muscular dystrophy, type 2B; MUSCULAR DYSTROPHY, LIMB-GIRDLE, AUTOSOMAL RECESSIVE 2; Limb-Girdle Muscular Dystrophy Type 2B (LGMD2B); MUSCULAR DYSTROPHY, LIMB-GIRDLE, TYPE 3. Identifiers: Orphanet 268, MedGen C1850889, MONDO:0009676, OMIM 253601.

Submissions (2):

Neuberg Centre For Genomic Medicine, NCGM
Classification: Pathogenic for Autosomal recessive limb-girdle muscular dystrophy type 2B. Review status: criteria provided, single submitter. Criteria: ACMG Guidelines, 2015. Collection method: clinical testing. Allele origin: germline. Inheritance: Autosomal recessive inheritance. Affected: yes.
Comment: The frameshift c.5757del (p.Glu1920SerfsTer85) variant has been submitted to ClinVar as Pathogenic. The p.Glu1920SerfsTer85 variant is novel (not in any individuals) in gnomAD Exomes and is novel (not in any individuals) in 1000 Genomes. This variant causes a frameshift starting with codon Glutamic Acid 1920, changes this amino acid to Serine residue, and creates a premature Stop codon at position 85 of the new reading frame, denoted p.Glu1920SerfsTer85. This variant is predicted to cause loss of normal protein function through protein truncation. Loss of function variants have been previously reported to be disease causing. For these reasons, this variant has been classified as Pathogenic.

Tan Tock Seng Hospital, National Healthcare Group
Classification: Pathogenic for Miyoshi muscular dystrophy 1. Review status: criteria provided, single submitter. Criteria: ACMG Guidelines, 2015. Collection method: clinical testing. Allele origin: germline. Inheritance: Autosomal recessive inheritance. Affected: yes. Observed: 1 homozygote.
Comment: This single base pair deletion in exon 51 of DYSF gene results in a frameshift and premature truncation of the protein (p.Glu1920SerfsTer85). This is expected to result in disrupted or non-functional protein. It is not present in population databases (GnomAD genomes) and is predicted to be damaging by MutationTaster2. This variant has not been reported in the literature in individuals with DYSF-related disease. Loss-of-function variants in DYSF are known to be pathogenic (PMID: 17698709, 20301480). For these reasons, this variant has been classified as Pathogenic.

NM_001130987.2(DYSF):c.5757del (p.Glu1920fs)

Gene: DYSF (dysferlin; plus strand). Cytogenetic location: 2p13.2.
Variant type: Deletion.
Coding change: c.5757del on transcript NM_001130987.2 (MANE Select); coding-DNA position 5757, one base deleted (T; older notation c.5757delT).
Protein change: p.Glu1920fs; shifts the reading frame from glutamic acid 1920.
Molecular consequence: frameshift variant.
Genome position (GRCh38, 1-based): chr2:71,669,719, T deleted. VCF-style (leftmost placement, unchanged base first): chr2-71669718-CT-C. GRCh37 (hg19) VCF-style: chr2-71896848-CT-C.
Other names: c.5643del, p.Glu1882fs (NM_001130455.2); c.5598del, p.Glu1867fs (NM_001130976.2); c.5661del, p.Glu1888fs (NM_001130977.2); c.5703del, p.Glu1902fs (NM_001130978.2); c.5733del, p.Glu1912fs (NM_001130979.2); c.5691del, p.Glu1898fs (NM_001130980.2); c.5754del, p.Glu1919fs (NM_001130981.2); c.5736del, p.Glu1913fs (NM_001130982.2); and 6 more; short protein forms E1867fs, E1868fs, E1881fs, E1882fs, E1888fs, E1889fs, E1898fs, E1899fs.
Identifiers: ClinVar variation 689493 (VCV000689493.3), dbSNP rs1573100371, ClinGen allele CA915944035.
Genomic context (GRCh38, chr2:71,669,718, plus strand): 5'-CCCTGGGAGGTGAAGGCAACTTCAACTGGAGGTTCATTTTCCCCTTCGACTACCTGCCAG[CT>C]GAGCAAGTCTGTACCATTGCCAAGAAGGTCAGTGTCCTTCCGATTCCCTGTGGTGCCAGC-3'